The following is an entry in ClinVar:

ClinVar aggregate classification (germline): Likely pathogenic (1 of 4 stars; one submission).

Conditions:
Polycystic kidney disease 4 (PKD4). Also called: POLYCYSTIC KIDNEY AND HEPATIC DISEASE 1; POLYCYSTIC KIDNEY DISEASE, INFANTILE, TYPE I; POLYCYSTIC KIDNEY DISEASE 4 WITH OR WITHOUT POLYCYSTIC LIVER DISEASE; PKD3; Autosomal Recessive Polycystic Kidney Disease – PKHD1. Identifiers: MedGen C4540575, MONDO:0033004, OMIM 263200.

Submission:

Myriad Genetics, Inc.
Classification: Likely pathogenic for Polycystic kidney disease 4. Last evaluated: 2022-02-17. Review status: criteria provided, single submitter. Criteria: Myriad Women's Health Autosomal Recessive and X-Linked Classification Criteria (2021). Collection method: clinical testing. Allele origin: unknown.
Comment: NM_138694.3(PKHD1):c.8241delA(G2748Afs*38) is expected to be pathogenic in the context of autosomal recessive polycystic kidney disease, PKHD1-related. This variant is predicted to lead to an abnormal or absent protein product due to the creation of a premature termination codon in PKHD1, a gene where loss-of-function variants are known to be pathogenic. Please note: this variant was assessed in the context of healthy population screening.

NM_138694.4(PKHD1):c.8241del (p.Gly2748fs)

Gene: PKHD1 (PKHD1 ciliary IPT domain containing fibrocystin/polyductin; minus strand). Cytogenetic location: 6p12.2.
Variant type: Deletion.
Coding change: c.8241del on transcript NM_138694.4 (MANE Select); coding-DNA position 8241, one base deleted (A; older notation c.8241delA).
Protein change: p.Gly2748fs; shifts the reading frame from glycine 2748.
Molecular consequence: frameshift variant.
Genome position (GRCh38, 1-based): chr6:51,830,922, T deleted on the plus strand (A on the coding strand, the reverse complement: PKHD1 is on the minus strand); the first of 2 consecutive T bases (chr6:51,830,922-51,830,923); deleting either gives the same sequence. VCF-style (leftmost placement, unchanged base first): chr6-51830921-CT-C. GRCh37 (hg19) VCF-style: chr6-51695719-CT-C.
Other names: c.8241del, p.Gly2748fs (NM_170724.3); short protein forms G2748fs.
Identifiers: ClinVar variation 1724488 (VCV001724488.2), dbSNP rs2535387554, ClinGen allele CA2580075435.